The following is an entry in ClinVar:

ClinVar aggregate classification (germline): Uncertain significance. Review status: criteria provided, multiple submitters, no conflicts (2 of 4 stars). 2 submissions from 2 submitters: Uncertain significance (2). Last evaluated 2026-09-23.

Conditions:
CEP290-related disorder. Also called: CEP290-related condition; CEP290-related disorders. Identifiers: MedGen CN239314.

gnomAD v4.1: 6 of 1,607,982 alleles (0.00037%); highest among the groups gnomAD compares: Non-Finnish European, 0.00051%; no homozygotes.

Submissions (2):

PreventionGenetics, part of Exact Sciences
Classification: Uncertain significance for CEP290-related condition. Last evaluated: 2026-09-23. Review status: criteria provided, single submitter. Criteria: ACMG Guidelines, 2015. Collection method: clinical testing. Allele origin: germline.
Comment: The CEP290 c.2644A>G variant is predicted to result in the amino acid substitution p.Asn882Asp. To our knowledge, this variant has not been reported in the literature. This variant is reported in 0.00092% of alleles in individuals of European (Non-Finnish) descent in gnomAD. At this time, the clinical significance of this variant is uncertain due to the absence of conclusive functional and genetic evidence.

Blueprint Genetics
Classification: Uncertain significance. Last evaluated: 2019-07-23. Review status: criteria provided, single submitter. Criteria: ACMG Guidelines, 2015. Collection method: clinical testing. Allele origin: germline.

NM_025114.4(CEP290):c.2644A>G (p.Asn882Asp)

Gene: CEP290 (centrosomal protein 290; minus strand). Cytogenetic location: 12q21.32.
Variant type: single nucleotide variant.
Coding change: c.2644A>G on transcript NM_025114.4 (MANE Select); coding-DNA position 2644, A replaced by G.
Protein change: p.Asn882Asp; replaces asparagine 882 with aspartic acid.
Molecular consequence: missense variant.
Genome position (GRCh38, 1-based): chr12:88,106,848, T>C on the plus strand (A>G on the coding strand, the complement: CEP290 is on the minus strand). VCF-style: chr12-88106848-T-C. GRCh37 (hg19) VCF-style: chr12-88500625-T-C.
Other names: c.2644A>G (NM_025114.3); short protein forms N882D.
Identifiers: ClinVar variation 4917916 (VCV004917916.2).
Genomic context (GRCh38, chr12:88,106,848, plus strand): 5'-TTGTATATTGCCTTATAAGTGATTTTTCATTCACTTGCAAAACAGTAATTTTCCTACTAT[T>C]TTCTGCAAGTATTTTTTTCATTTCATCCGAATCCATCTGAAGAGCATTGAGCAAATTCTG-3'
Protein context (NP_079390.3, residues 872-892): SDEMKKILAE[Asn882Asp]SRKITVLQVN